The following is an entry in ClinVar:

NM_022089.4(ATP13A2):c.255C>T (p.Ala85=)

Gene: ATP13A2 (ATPase cation transporting 13A2; minus strand). Cytogenetic location: 1p36.13.
Variant type: single nucleotide variant.
Coding change: c.255C>T on transcript NM_022089.4 (MANE Select); coding-DNA position 255, C replaced by T.
Protein change: p.Ala85=; no amino-acid change (alanine 85 retained).
Molecular consequence: synonymous variant.
Genome position (GRCh38, 1-based): chr1:17,005,407, G>A on the plus strand (C>T on the coding strand, the complement: ATP13A2 is on the minus strand). VCF-style: chr1-17005407-G-A. GRCh37 (hg19) VCF-style: chr1-17331902-G-A.
Other names: c.255C>T, p.Ala85= (NM_001141973.3, NM_001141974.3).
Identifiers: ClinVar variation 1195382 (VCV001195382.33), dbSNP rs369906056, ClinGen allele CA637717.

ClinVar aggregate classification (germline): Likely benign. Review status: criteria provided, multiple submitters, no conflicts (2 of 4 stars). 5 submissions from 5 submitters: Likely benign (5). Last evaluated 2026-01-18.

Conditions:
Kufor-Rakeb syndrome (KRS). Also called: PARKINSON DISEASE 9, AUTOSOMAL RECESSIVE, JUVENILE-ONSET. Identifiers: Orphanet 306674, Orphanet 314632, MedGen C1847640, MONDO:0011706, OMIM 606693.
Autosomal recessive spastic paraplegia type 78. Identifiers: Orphanet 513436, MedGen C5567893, MONDO:0014975, OMIM 617225.

Allele frequency attached by ClinVar (database versions not stated): TOPMed 0.00007; gnomAD 0.00008 and 0.00009; gnomAD exomes 0.00008; ExAC 0.00014; ESP Exome Variant Server 0.00015; 1000 Genomes Project 30x 0.00016; 1000 Genomes Project 0.00020.

Submissions (5):

Labcorp Genetics (formerly Invitae), Labcorp
Classification: Likely benign for Kufor-Rakeb syndrome; Autosomal recessive spastic paraplegia type 78. Last evaluated: 2026-01-18. Review status: criteria provided, single submitter. Criteria: Invitae Variant Classification Sherloc (09022015). Collection method: clinical testing. Allele origin: germline.

Blueprint Genetics
Classification: Likely benign. Last evaluated: 2024-11-17. Review status: criteria provided, single submitter. Criteria: ACMG Guidelines, 2015. Collection method: clinical testing. Allele origin: germline.

CeGaT Center for Human Genetics Tuebingen
Classification: Likely benign. Last evaluated: 2024-02-01. Review status: criteria provided, single submitter. Criteria: CeGaT Center For Human Genetics Tuebingen Variant Classification Criteria Version 2. Collection method: clinical testing. Allele origin: germline. Affected: yes. Observed: 1 variant allele.
Comment: ATP13A2: BP4, BP7

GeneDx
Classification: Likely benign. Last evaluated: 2019-04-16. Review status: criteria provided, single submitter. Criteria: GeneDx Variant Classification Process June 2021. Collection method: clinical testing. Allele origin: germline. Affected: yes.

Breakthrough Genomics
Classification: Likely benign. Review status: criteria provided, single submitter. Criteria: ACMG Guidelines, 2015. Collection method: not provided. Allele origin: germline. Inheritance: Autosomal recessive inheritance. Affected: yes.